The following is an entry in ClinVar:

ClinVar aggregate classification (germline): Uncertain significance. Review status: criteria provided, multiple submitters, no conflicts (2 of 4 stars). 2 submissions from 2 submitters: Uncertain significance (2). Last evaluated 2026-02-11.

Conditions:
Early-infantile DEE. Also called: Early infantile epileptic encephalopathy; Early infantile epileptic encephalopathy with suppression bursts; Ohtahara syndrome. Identifiers: Orphanet 1934, MedGen C0393706, MONDO:0800491.

Allele frequency attached by ClinVar (database versions not stated): ExAC 0.00001; gnomAD 0.00001; gnomAD exomes 0.00001.
gnomAD v4.1: 11 of 1,613,464 alleles (0.00068%); highest among the groups gnomAD compares: East Asian, 0.0022%; no homozygotes.

Submissions (2):

GeneDx
Classification: Uncertain significance. Last evaluated: 2026-02-11. Review status: criteria provided, single submitter. Criteria: GeneDx Variant Classification Process June 2021. Collection method: clinical testing. Allele origin: germline.
Comment: Not observed at significant frequency in large population cohorts (gnomAD); In silico analysis suggests that this missense variant does not alter protein structure/function; This substitution is predicted to be within the extracellular loop between the S5 and S6 transmembrane segments of the first homologous domain; Has not been previously published as pathogenic or benign to our knowledge

Labcorp Genetics (formerly Invitae), Labcorp
Classification: Uncertain significance for Early-infantile DEE. Last evaluated: 2023-12-23. Review status: criteria provided, single submitter. Criteria: Invitae Variant Classification Sherloc (09022015). Collection method: clinical testing. Allele origin: germline.
Comment: This sequence change replaces valine, which is neutral and non-polar, with methionine, which is neutral and non-polar, at codon 352 of the SCN1A protein (p.Val352Met). This variant is present in population databases (rs779188944, gnomAD 0.002%). This variant has not been reported in the literature in individuals affected with SCN1A-related conditions. ClinVar contains an entry for this variant (Variation ID: 946237). Advanced modeling of protein sequence and biophysical properties (such as structural, functional, and spatial information, amino acid conservation, physicochemical variation, residue mobility, and thermodynamic stability) performed at Invitae indicates that this missense variant is not expected to disrupt SCN1A protein function with a negative predictive value of 95%. In summary, the available evidence is currently insufficient to determine the role of this variant in disease. Therefore, it has been classified as a Variant of Uncertain Significance.

NM_001165963.4(SCN1A):c.1054G>A (p.Val352Met)

Gene: SCN1A (sodium voltage-gated channel alpha subunit 1; minus strand). Cytogenetic location: 2q24.3.
Variant type: single nucleotide variant.
Coding change: c.1054G>A on transcript NM_001165963.4 (MANE Select); coding-DNA position 1054, G replaced by A.
Protein change: p.Val352Met; replaces valine 352 with methionine.
Molecular consequence: missense variant. On other transcripts: 5 prime UTR variant (1), non-coding transcript variant (1).
Genome position (GRCh38, 1-based): chr2:166,047,743, C>T on the plus strand (G>A on the coding strand, the complement: SCN1A is on the minus strand). VCF-style: chr2-166047743-C-T. GRCh37 (hg19) VCF-style: chr2-166904253-C-T.
Other names: c.1054G>A, p.Val352Met (NM_001165964.3, NM_001202435.3, NM_001353948.2 and 10 more transcripts); c.-1372G>A (NM_001353961.2); short protein forms V352M.
Identifiers: ClinVar variation 946237 (VCV000946237.11), dbSNP rs779188944, ClinGen allele CA1943371.